The following is an entry in ClinVar:

ClinVar aggregate classification (germline): Pathogenic/Likely pathogenic. Review status: criteria provided, multiple submitters, no conflicts (2 of 4 stars). 6 submissions from 6 submitters: Pathogenic (4); Likely pathogenic (1). 1 of the submissions does not count toward it. Last evaluated 2025-08-13.

Conditions:
Muscular dystrophy, limb-girdle, autosomal recessive 23. Identifiers: Orphanet 565837, MedGen C4748327, MONDO:0029136, OMIM 618138.
LAMA2-related muscular dystrophy (LAMA2-RD). Also called: Laminin alpha 2-related dystrophy. Identifiers: MedGen C5679788, MONDO:0100228.
Merosin deficient congenital muscular dystrophy (MDC1A). Also called: Congenital Muscular Dystrophy Type 1A (MDC1A); Congenital merosin-deficient muscular dystrophy 1A. Identifiers: Orphanet 258, MedGen C1263858, MONDO:0011925, OMIM 607855.

Allele frequency attached by ClinVar (database versions not stated): gnomAD exomes below 0.00001; TOPMed 0.00001.
gnomAD v4.1: 2 of 1,610,112 alleles (0.00012%); highest among the groups gnomAD compares: African/African-American, 0.0013%; no homozygotes.

Submissions (6):

Labcorp Genetics (formerly Invitae), Labcorp
Classification: Pathogenic for LAMA2-related muscular dystrophy. Last evaluated: 2025-08-13. Review status: criteria provided, single submitter. Criteria: Invitae Variant Classification Sherloc (09022015). Collection method: clinical testing. Allele origin: germline.
Comment: This sequence change affects an acceptor splice site in intron 40 of the LAMA2 gene. It is expected to disrupt RNA splicing. Variants that disrupt the donor or acceptor splice site typically lead to a loss of protein function (PMID: 16199547), and loss-of-function variants in LAMA2 are known to be pathogenic (PMID: 18700894, 32904964). This variant is not present in population databases (gnomAD no frequency). Disruption of this splice site has been observed in individual(s) with clinical features of LAMA2-related conditions (PMID: 32444167; internal data). In at least one individual the data is consistent with being in trans (on the opposite chromosome) from a pathogenic variant. ClinVar contains an entry for this variant (Variation ID: 424557). Algorithms developed to predict the effect of sequence changes on RNA splicing suggest that this variant may disrupt the consensus splice site. For these reasons, this variant has been classified as Pathogenic.

Dr.Nikuei Genetic Center
Classification: Pathogenic for Muscular dystrophy, limb-girdle, autosomal recessive 23. Last evaluated: 2024-07-10. Review status: criteria provided, single submitter. Criteria: ACMG Guidelines, 2015. Collection method: clinical testing. Allele origin: germline. Affected: yes.

CeGaT Center for Human Genetics Tuebingen
Classification: Pathogenic. Last evaluated: 2022-09-01. Review status: criteria provided, single submitter. Criteria: CeGaT Center For Human Genetics Tuebingen Variant Classification Criteria Version 2. Collection method: clinical testing. Allele origin: germline. Affected: yes. Observed: 1 variant allele.
Comment: LAMA2: PVS1, PM2

GeneDx
Classification: Pathogenic. Last evaluated: 2017-03-23. Review status: criteria provided, single submitter. Criteria: GeneDx Variant Classification (06012015). Collection method: clinical testing. Allele origin: germline. Affected: yes.
Comment: The c.5866-1G>A variant in the LAMA2 gene has not been reported previously as a pathogenic variant nor as a benign variant, to our knowledge. This splice site variant destroys the canonical splice acceptor site in intron 40. It is predicted to cause abnormal gene splicing, either leading to an abnormal message that is subject to nonsense-mediated mRNA decay, or to an abnormal protein product if the message is used for protein translation. The c.5866-1G>A variant is not observed in large population cohorts (Lek et al., 2016; 1000 Genomes Consortium et al., 2015; Exome Variant Server). We interpret c.5866-1G>A as a pathogenic variant.

Neuberg Centre For Genomic Medicine, NCGM
Classification: Likely pathogenic for Muscular dystrophy, limb-girdle, autosomal recessive 23. Review status: criteria provided, single submitter. Criteria: ACMG Guidelines, 2015. Collection method: clinical testing. Allele origin: germline. Affected: yes.
Comment: The splice acceptor variant c.5866-1G>A in LAMA2 (NM_000426.4) has been submitted to ClinVar as Pathogenic/Likely Pathogenic. The variant is not reported to in previously affected individuals. The c.5866-1G>A variant is novel (not in any individuals) in gnomAD Exomes and is novel (not in any individuals) in 1000 Genomes. This variant mutates a splice-acceptor sequence, potentially resulting in exon skipping and the production of abnormal proteins. For these reasons, this variant has been classified as Likely Pathogenic.

Counsyl
Classification: Likely pathogenic for Merosin deficient congenital muscular dystrophy. Last evaluated: 2018-04-13. Review status: no assertion criteria provided. Collection method: clinical testing. Allele origin: unknown. Not counted in ClinVar's aggregate classification.

Literature cited by the submitters: PubMed 16199547 (cited by Labcorp Genetics (formerly Invitae), Labcorp); PubMed 18700894 (cited by Labcorp Genetics (formerly Invitae), Labcorp); PubMed 32904964 (cited by Labcorp Genetics (formerly Invitae), Labcorp); PubMed 32444167 (cited by Labcorp Genetics (formerly Invitae), Labcorp).

NM_000426.4(LAMA2):c.5866-1G>A

Gene: LAMA2 (laminin subunit alpha 2; plus strand). Cytogenetic location: 6q22.33.
Variant type: single nucleotide variant.
Coding change: c.5866-1G>A on transcript NM_000426.4 (MANE Select); the canonical splice acceptor site of the intron before coding-DNA position 5866, G replaced by A.
Molecular consequence: splice acceptor variant.
Genome position (GRCh38, 1-based): chr6:129,427,751, G>A. VCF-style: chr6-129427751-G-A. GRCh37 (hg19) VCF-style: chr6-129748896-G-A.
Other names: c.5866-1G>A (NM_001079823.2).
Identifiers: ClinVar variation 424557 (VCV000424557.38), dbSNP rs1064797040, ClinGen allele CA16618242.